The following is an entry in ClinVar:

NM_000123.4(ERCC5):c.3344G>A (p.Arg1115Lys)

Genes: BIVM-ERCC5 (BIVM-ERCC5 readthrough; plus strand), ERCC5 (ERCC excision repair 5, endonuclease; plus strand). Cytogenetic location: 13q33.1.
Variant type: single nucleotide variant.
Coding change: c.3344G>A on transcript NM_000123.4 (MANE Select); coding-DNA position 3344, G replaced by A.
Protein change: p.Arg1115Lys; replaces arginine 1115 with lysine.
Molecular consequence: missense variant.
Genome position (GRCh38, 1-based): chr13:102,875,686, G>A. VCF-style: chr13-102875686-G-A. GRCh37 (hg19) VCF-style: chr13-103528036-G-A.
Other names: c.4706G>A, p.Arg1569Lys (NM_001204425.2); short protein forms R1115K, R1569K.
Identifiers: ClinVar variation 1692191 (VCV001692191.1), dbSNP rs2140543780, ClinGen allele CA388675175.
Genomic context (GRCh38, chr13:102,875,686, plus strand): 5'-AATCATCTGATGGATCTTCAAGTGAAGATGCTGAAAGTTCATCTTTAATGAATGTACAAA[G>A]GAGAACAGCTGCGAAAGAGCCAAAAACCAGTGCTTCAGATTCGCAGAACTCAGTGAAGGA-3'
Protein context (NP_000114.3, residues 1105-1125): AESSSLMNVQ[Arg1115Lys]RTAAKEPKTS

ClinVar aggregate classification (germline): Uncertain significance (1 of 4 stars; one submission).

Conditions:
Hereditary cancer-predisposing syndrome. Also called: Hereditary Cancer Syndrome; Hereditary neoplastic syndrome; Neoplastic Syndromes, Hereditary; Tumor predisposition. Identifiers: Orphanet 140162, MedGen C0027672, MeSH D009386, MONDO:0015356.

Allele frequency attached by ClinVar (database versions not stated): gnomAD exomes 0.00001.
gnomAD v4.1: 11 of 1,614,166 alleles (0.00068%); highest among the groups gnomAD compares: South Asian, 0.0066%; no homozygotes.

Submission:

Sema4
Classification: Uncertain significance for Hereditary cancer-predisposing syndrome. Last evaluated: 2022-03-17. Review status: criteria provided, single submitter. Criteria: Sema4 Curation Guidelines. Collection method: curation. Allele origin: germline.
Comment: The ERCC5 c.3344G>A (p.R1115K) variant has not been reported in the literature to our knowledge. It was not observed in the large and broad cohorts of the Genome Aggregation Database (PMID: 32461654). The variant has not been reported in ClinVar. In silico tools suggest the impact of the variant on protein function is benign, though these predictions have not been confirmed by functional studies. The evidence is insufficient to meet ACMG/AMP criteria for classifying the variant as benign or pathogenic. Thus, the clinical significance of this variant is currently uncertain.